The following is an entry in ClinVar:

ClinVar aggregate classification (germline): Uncertain significance (1 of 4 stars; one submission).

gnomAD v4.1: 15 of 1,573,616 alleles (0.00095%); highest among the groups gnomAD compares: Non-Finnish European, 0.0012%; no homozygotes.

Submission:

GeneDx
Classification: Uncertain significance. Last evaluated: 2025-11-06. Review status: criteria provided, single submitter. Criteria: GeneDx Variant Classification Process June 2021. Collection method: clinical testing. Allele origin: germline. Affected: yes.
Comment: Not observed at significant frequency in large population cohorts (gnomAD); In silico analysis supports that this missense variant has a deleterious effect on protein structure/function; Has not been previously published as pathogenic or benign to our knowledge; This variant is associated with the following publications: (PMID: 22508754, 35354845, 37916443, 32980744)

NM_007254.4(PNKP):c.967A>T (p.Thr323Ser)

Gene: PNKP (polynucleotide kinase 3'-phosphatase; minus strand). Cytogenetic location: 19q13.33.
Variant type: single nucleotide variant.
Coding change: c.967A>T on transcript NM_007254.4 (MANE Select); coding-DNA position 967, A replaced by T.
Protein change: p.Thr323Ser; replaces threonine 323 with serine.
Molecular consequence: missense variant.
Genome position (GRCh38, 1-based): chr19:49,862,433, T>A on the plus strand (A>T on the coding strand, the complement: PNKP is on the minus strand). VCF-style: chr19-49862433-T-A. GRCh37 (hg19) VCF-style: chr19-50365690-T-A.
Other names: short protein forms T323S.
Identifiers: ClinVar variation 3373385 (VCV003373385.2).